The following is an entry in ClinVar:

ClinVar aggregate classification (germline): Uncertain significance (1 of 4 stars; one submission).

Conditions:
Long QT syndrome (LQTS). Identifiers: MedGen C0023976, MeSH D008133, MONDO:0002442. Disease mechanism: loss of function. Inheritance: Various modes of inheritance.

Allele frequency attached by ClinVar (database versions not stated): gnomAD exomes below 0.00001 and 0.00001.
gnomAD v4.1: 9 of 1,614,214 alleles (0.00056%); highest among the groups gnomAD compares: South Asian, 0.0011%; no homozygotes.

Submission:

Labcorp Genetics (formerly Invitae), Labcorp
Classification: Uncertain significance for Long QT syndrome. Last evaluated: 2021-12-03. Review status: criteria provided, single submitter. Criteria: Invitae Variant Classification Sherloc (09022015). Collection method: clinical testing. Allele origin: germline.
Comment: This sequence change replaces isoleucine, which is neutral and non-polar, with valine, which is neutral and non-polar, at codon 330 of the KCNH2 protein (p.Ile330Val). This variant is present in population databases (no rsID available, gnomAD 0.0009%). This variant has not been reported in the literature in individuals affected with KCNH2-related conditions. Algorithms developed to predict the effect of missense changes on protein structure and function (SIFT, PolyPhen-2, Align-GVGD) all suggest that this variant is likely to be tolerated. In summary, the available evidence is currently insufficient to determine the role of this variant in disease. Therefore, it has been classified as a Variant of Uncertain Significance.

NM_000238.4(KCNH2):c.988A>G (p.Ile330Val)

Gene: KCNH2 (potassium voltage-gated channel subfamily H member 2; minus strand). Cytogenetic location: 7q36.1.
Variant type: single nucleotide variant.
Coding change: c.988A>G on transcript NM_000238.4 (MANE Select); coding-DNA position 988, A replaced by G.
Protein change: p.Ile330Val; replaces isoleucine 330 with valine.
Molecular consequence: missense variant.
Genome position (GRCh38, 1-based): chr7:150,957,431, T>C on the plus strand (A>G on the coding strand, the complement: KCNH2 is on the minus strand). VCF-style: chr7-150957431-T-C. GRCh37 (hg19) VCF-style: chr7-150654519-T-C.
Other names: c.700A>G, p.Ile234Val (NM_001406753.1, NM_001406756.1); c.811A>G, p.Ile271Val (NM_001406755.1); c.688A>G, p.Ile230Val (NM_001406757.1); c.988A>G, p.Ile330Val (NM_172056.3); short protein forms I330V, I230V, I234V, I271V.
Identifiers: ClinVar variation 1492369 (VCV001492369.7), dbSNP rs1216093762, ClinGen allele CA369861708.